The following is an entry in ClinVar:

NM_000061.3(BTK):c.391G>A (p.Val131Ile)

Gene: BTK (Bruton tyrosine kinase; minus strand). Cytogenetic location: Xq22.1.
Variant type: single nucleotide variant.
Coding change: c.391G>A on transcript NM_000061.3 (MANE Select); coding-DNA position 391, G replaced by A.
Protein change: p.Val131Ile; replaces valine 131 with isoleucine.
Molecular consequence: missense variant.
Genome position (GRCh38, 1-based): chrX:101,369,998, C>T on the plus strand (G>A on the coding strand, the complement: BTK is on the minus strand). VCF-style: chrX-101369998-C-T. GRCh37 (hg19) VCF-style: chrX-100624986-C-T.
Other names: c.493G>A, p.Val165Ile (NM_001287344.2); c.391G>A, p.Val131Ile (NM_001287345.2); short protein forms V165I, V131I.
Identifiers: ClinVar variation 2115409 (VCV002115409.4), dbSNP rs1555980039, ClinGen allele CA413936838.

ClinVar aggregate classification (germline): Uncertain significance (1 of 4 stars; one submission).

Conditions:
X-linked agammaglobulinemia with growth hormone deficiency (IGHD3). Also called: Isolated growth hormone deficiency type 3; Growth hormone deficiency with hypogammaglobulinemia; HYPOGAMMAGLOBULINEMIA AND ISOLATED GROWTH HORMONE DEFICIENCY, X-LINKED; IGHD III; ISOLATED GROWTH HORMONE DEFICIENCY, TYPE III, WITH AGAMMAGLOBULINEMIA; AGAMMAGLOBULINEMIA AND ISOLATED GROWTH HORMONE DEFICIENCY, X-LINKED. Identifiers: Orphanet 231692, Orphanet 631, MedGen C0472813, MONDO:0010615, OMIM 307200.

Submission:

Labcorp Genetics (formerly Invitae), Labcorp
Classification: Uncertain significance for X-linked agammaglobulinemia with growth hormone deficiency. Last evaluated: 2023-12-09. Review status: criteria provided, single submitter. Criteria: Invitae Variant Classification Sherloc (09022015). Collection method: clinical testing. Allele origin: germline.
Comment: This sequence change replaces valine, which is neutral and non-polar, with isoleucine, which is neutral and non-polar, at codon 131 of the BTK protein (p.Val131Ile). This variant also falls at the last nucleotide of exon 5, which is part of the consensus splice site for this exon. The frequency data for this variant in the population databases is considered unreliable, as metrics indicate poor data quality at this position in the gnomAD database. This variant has not been reported in the literature in individuals affected with BTK-related conditions. ClinVar contains an entry for this variant (Variation ID: 2115409). An algorithm developed to predict the effect of missense changes on protein structure and function (PolyPhen-2) suggests that this variant is likely to be tolerated. Variants that disrupt the consensus splice site are a relatively common cause of aberrant splicing (PMID: 17576681, 9536098). Algorithms developed to predict the effect of sequence changes on RNA splicing suggest that this variant may disrupt the consensus splice site. In summary, the available evidence is currently insufficient to determine the role of this variant in disease. Therefore, it has been classified as a Variant of Uncertain Significance.

Literature cited by the submitters: PubMed 17576681; PubMed 9536098.